The following is an entry in ClinVar:

ClinVar aggregate classification (germline): Uncertain significance (1 of 4 stars; one submission).

Conditions:
Holoprosencephaly 11 (HPE11). Identifiers: Orphanet 2162, MedGen C3280215, MONDO:0013642, OMIM 614226.

gnomAD v4.1: 6 of 1,613,968 alleles (0.00037%); highest among the groups gnomAD compares: East Asian, 0.0089%; no homozygotes.

Submission:

Juno Genomics, Hangzhou Juno Genomics, Inc
Classification: Uncertain significance for Holoprosencephaly 11. Review status: criteria provided, single submitter. Criteria: ACMG Guidelines, 2015. Collection method: clinical testing. Allele origin: germline.
Comment: Absent from controls (or at extremely low frequency if recessive) in Genome Aggregation Database.

NM_001378964.1(CDON):c.250A>G (p.Ile84Val)

Gene: CDON (cell adhesion associated, oncogene regulated; minus strand). Cytogenetic location: 11q24.2.
Variant type: single nucleotide variant.
Coding change: c.250A>G on transcript NM_001378964.1 (MANE Select); coding-DNA position 250, A replaced by G.
Protein change: p.Ile84Val; replaces isoleucine 84 with valine.
Molecular consequence: missense variant.
Genome position (GRCh38, 1-based): chr11:126,021,347, T>C on the plus strand (A>G on the coding strand, the complement: CDON is on the minus strand). VCF-style: chr11-126021347-T-C. GRCh37 (hg19) VCF-style: chr11-125891242-T-C.
Other names: c.250A>G, p.Ile84Val (NM_001243597.3, NM_001441161.1, NM_001441162.1 and 5 more transcripts); short protein forms I84V.
Identifiers: ClinVar variation 5007815 (VCV005007815.2).